The following is an entry in ClinVar:

ClinVar aggregate classification (germline): Benign/Likely benign. Review status: criteria provided, multiple submitters, no conflicts (2 of 4 stars). 3 submissions from 3 submitters: Benign (1); Likely benign (1). 1 of the submissions does not count toward it. Last evaluated 2025-08-31.

Conditions:
Skeletal dysplasia, mild, with joint laxity and advanced bone age. Identifiers: MedGen C5394341, MONDO:0030029, OMIM 618870.
CSGALNACT1-related disorder. Also called: CSGALNACT1-related condition.

Allele frequency attached by ClinVar (database versions not stated): gnomAD 0.00029 and 0.00038; TOPMed 0.00038; ExAC 0.00082; 1000 Genomes Project 30x 0.00125; 1000 Genomes Project 0.00140.
gnomAD v4.1: 334 of 1,614,232 alleles (0.021%); highest among the groups gnomAD compares: East Asian, 0.62%; 2 homozygotes.

Submissions (3):

Labcorp Genetics (formerly Invitae), Labcorp
Classification: Benign. Last evaluated: 2025-08-31. Review status: criteria provided, single submitter. Criteria: Invitae Variant Classification Sherloc (09022015). Collection method: clinical testing. Allele origin: germline.

Fulgent Genetics
Classification: Likely benign for Skeletal dysplasia, mild, with joint laxity and advanced bone age. Last evaluated: 2022-01-18. Review status: criteria provided, single submitter. Criteria: ACMG Guidelines, 2015. Collection method: clinical testing. Allele origin: unknown.

PreventionGenetics, part of Exact Sciences
Classification: Likely benign for CSGALNACT1-related condition. Last evaluated: 2023-06-08. Review status: no assertion criteria provided. Collection method: clinical testing. Allele origin: germline. Not counted in ClinVar's aggregate classification.
Comment: This variant is classified as likely benign based on ACMG/AMP sequence variant interpretation guidelines (Richards et al. 2015 PMID: 25741868, with internal and published modifications).

NM_001354483.2(CSGALNACT1):c.397G>A (p.Val133Met)

Gene: CSGALNACT1 (chondroitin sulfate N-acetylgalactosaminyltransferase 1; minus strand). Cytogenetic location: 8p21.3.
Variant type: single nucleotide variant.
Coding change: c.397G>A on transcript NM_001354483.2 (MANE Select); coding-DNA position 397, G replaced by A.
Protein change: p.Val133Met; replaces valine 133 with methionine.
Molecular consequence: missense variant. On other transcripts: non-coding transcript variant (7).
Genome position (GRCh38, 1-based): chr8:19,505,438, C>T on the plus strand (G>A on the coding strand, the complement: CSGALNACT1 is on the minus strand). VCF-style: chr8-19505438-C-T. GRCh37 (hg19) VCF-style: chr8-19362949-C-T.
Other names: c.397G>A, p.Val133Met (NM_001130518.2, NM_001354475.2, NM_001354476.2 and 18 more transcripts); short protein forms V133M.
Identifiers: ClinVar variation 1623253 (VCV001623253.11), dbSNP rs377493563, ClinGen allele CA4654262.